The following is an entry in ClinVar:

ClinVar aggregate classification (germline): Likely benign (1 of 4 stars; one submission).

Allele frequency attached by ClinVar (database versions not stated): 1000 Genomes Project 0.01098; 1000 Genomes Project 30x 0.01468; TOPMed 0.01815; gnomAD 0.02175.

Submission:

GeneDx
Classification: Likely benign. Last evaluated: 2018-06-14. Review status: criteria provided, single submitter. Criteria: GeneDx Variant Classification (06012015). Collection method: clinical testing. Allele origin: germline. Affected: yes.
Comment: This variant is considered likely benign or benign based on one or more of the following criteria: it is a conservative change, it occurs at a poorly conserved position in the protein, it is predicted to be benign by multiple in silico algorithms, and/or has population frequency not consistent with disease.

NM_000071.3(CBS):c.829-320G>A

Gene: CBS (cystathionine beta-synthase; minus strand). Cytogenetic location: 21q22.3.
Variant type: single nucleotide variant.
Coding change: c.829-320G>A on transcript NM_000071.3 (MANE Select); 320 bases into the intron before coding-DNA position 829, G replaced by A.
Molecular consequence: intron variant.
Genome position (GRCh38, 1-based): chr21:43,063,398, C>T on the plus strand (G>A on the coding strand, the complement: CBS is on the minus strand). VCF-style: chr21-43063398-C-T. GRCh37 (hg19) VCF-style: chr21-44483508-C-T.
Other names: c.829-320G>A (NM_001320298.2, NM_001178009.3, NM_001178008.3); c.514-320G>A (NM_001321072.1).
Identifiers: ClinVar variation 670715 (VCV000670715.1), dbSNP rs112219271, ClinGen allele CA321093501.